The following is an entry in ClinVar:

ClinVar aggregate classification (germline): Uncertain significance (1 of 4 stars; one submission).

Conditions:
Hereditary cancer-predisposing syndrome. Also called: Neoplastic Syndromes, Hereditary; Tumor predisposition; Hereditary Cancer Syndrome; Hereditary neoplastic syndrome. Identifiers: Orphanet 140162, MedGen C0027672, MeSH D009386, MONDO:0015356.

Submission:

Ambry Genetics
Classification: Uncertain significance for Hereditary cancer-predisposing syndrome. Last evaluated: 2021-08-28. Review status: criteria provided, single submitter. Criteria: Ambry Variant Classification Scheme 2023. Collection method: clinical testing. Allele origin: germline.
Comment: The p.C65G variant (also known as c.193T>G), located in coding exon 3 of the XRCC2 gene, results from a T to G substitution at nucleotide position 193. The cysteine at codon 65 is replaced by glycine, an amino acid with highly dissimilar properties. This amino acid position is conserved. In addition, the in silico prediction for this alteration is inconclusive. Since supporting evidence is limited at this time, the clinical significance of this alteration remains unclear.

NM_005431.2(XRCC2):c.193T>G (p.Cys65Gly)

Gene: XRCC2 (X-ray repair cross complementing 2; minus strand). Cytogenetic location: 7q36.1.
Variant type: single nucleotide variant.
Coding change: c.193T>G on transcript NM_005431.2 (MANE Select); coding-DNA position 193, T replaced by G.
Protein change: p.Cys65Gly; replaces cysteine 65 with glycine.
Molecular consequence: missense variant.
Genome position (GRCh38, 1-based): chr7:152,649,292, A>C on the plus strand (T>G on the coding strand, the complement: XRCC2 is on the minus strand). VCF-style: chr7-152649292-A-C. GRCh37 (hg19) VCF-style: chr7-152346377-A-C.
Other names: short protein forms C65G.
Identifiers: ClinVar variation 1783042 (VCV001783042.2), dbSNP rs1338476396, ClinGen allele CA370199229.
Genomic context (GRCh38, chr7:152,649,292, plus strand): 5'-AATCTGTATCAATAAATAAGACTTCTACTTCCAGGCCACCTTCTGATTTGGGAAGTATAC[A>C]TCGTGCTGTTAGGTGATAAAGCATTTCTGTTTTTCCTGTTCCTTCTGGGCCATGAAATTC-3'
Protein context (NP_005422.1, residues 55-75): TEMLYHLTAR[Cys65Gly]ILPKSEGGLE